The following is an entry in ClinVar:

NM_006346.4(PIBF1):c.1405C>T (p.Arg469Cys)

Gene: PIBF1 (progesterone immunomodulatory binding factor 1; plus strand). Cytogenetic location: 13q22.1.
Variant type: single nucleotide variant.
Coding change: c.1405C>T on transcript NM_006346.4 (MANE Select); coding-DNA position 1405, C replaced by T.
Protein change: p.Arg469Cys; replaces arginine 469 with cysteine.
Molecular consequence: missense variant. On other transcripts: non-coding transcript variant (2).
Genome position (GRCh38, 1-based): chr13:72,893,866, C>T. VCF-style: chr13-72893866-C-T. GRCh37 (hg19) VCF-style: chr13-73468004-C-T.
Other names: c.1492C>T, p.Arg498Cys (NM_001349655.2); short protein forms R469C, R498C.
Identifiers: ClinVar variation 4872614 (VCV004872614.2).

ClinVar aggregate classification (germline): Uncertain significance (1 of 4 stars; one submission).

gnomAD v4.1: 5 of 1,603,796 alleles (0.00031%); highest among the groups gnomAD compares: African/African-American, 0.0013%; no homozygotes.

Submission:

CeGaT Center for Human Genetics Tuebingen
Classification: Uncertain significance. Last evaluated: 2026-04-01. Review status: criteria provided, single submitter. Criteria: CeGaT Center For Human Genetics Tuebingen Variant Classification Criteria Version 2. Collection method: clinical testing. Allele origin: germline. Affected: yes. Observed: 1 variant allele.
Comment: PIBF1: PM2